The following is an entry in ClinVar:

ClinVar aggregate classification (germline): Uncertain significance (1 of 4 stars; one submission).

Conditions:
RYR1-related disorder. Also called: RYR1-related condition; RYR1-related disorders. Identifiers: MedGen CN239331.

Submission:

Labcorp Genetics (formerly Invitae), Labcorp
Classification: Uncertain significance for RYR1-related disorder. Last evaluated: 2024-10-12. Review status: criteria provided, single submitter. Criteria: Invitae Variant Classification Sherloc (09022015). Collection method: clinical testing. Allele origin: germline.
Comment: This sequence change replaces threonine, which is neutral and polar, with isoleucine, which is neutral and non-polar, at codon 311 of the RYR1 protein (p.Thr311Ile). This variant is not present in population databases (gnomAD no frequency). This variant has not been reported in the literature in individuals affected with RYR1-related conditions. Invitae Evidence Modeling of protein sequence and biophysical properties (such as structural, functional, and spatial information, amino acid conservation, physicochemical variation, residue mobility, and thermodynamic stability) has been performed for this missense variant. However, the output from this modeling did not meet the statistical confidence thresholds required to predict the impact of this variant on RYR1 protein function. In summary, the available evidence is currently insufficient to determine the role of this variant in disease. Therefore, it has been classified as a Variant of Uncertain Significance.

NM_000540.3(RYR1):c.932C>T (p.Thr311Ile)

Gene: RYR1 (ryanodine receptor 1; plus strand). Cytogenetic location: 19q13.2.
Variant type: single nucleotide variant.
Coding change: c.932C>T on transcript NM_000540.3 (MANE Select); coding-DNA position 932, C replaced by T.
Protein change: p.Thr311Ile; replaces threonine 311 with isoleucine.
Molecular consequence: missense variant.
Genome position (GRCh38, 1-based): chr19:38,448,486, C>T. VCF-style: chr19-38448486-C-T. GRCh37 (hg19) VCF-style: chr19-38939126-C-T.
Other names: c.932C>T, p.Thr311Ile (NM_001042723.2); short protein forms T311I.
Identifiers: ClinVar variation 3603681 (VCV003603681.2).